The following is an entry in ClinVar:

NM_130837.3(OPA1):c.106G>C (p.Val36Leu)

Gene: OPA1 (OPA1 mitochondrial dynamin like GTPase; plus strand). Cytogenetic location: 3q29.
Variant type: single nucleotide variant.
Coding change: c.106G>C on transcript NM_130837.3 (MANE Select); coding-DNA position 106, G replaced by C.
Protein change: p.Val36Leu; replaces valine 36 with leucine.
Molecular consequence: missense variant. On other transcripts: 5 prime UTR variant (2).
Genome position (GRCh38, 1-based): chr3:193,614,796, G>C. VCF-style: chr3-193614796-G-C. GRCh37 (hg19) VCF-style: chr3-193332585-G-C.
Other names: c.-267G>C (NM_001354663.2, NM_001354664.2); c.106G>C, p.Val36Leu (NM_015560.3, NM_130831.3, NM_130832.3 and 4 more transcripts); short protein forms V36L.
Identifiers: ClinVar variation 2582160 (VCV002582160.1), dbSNP rs1728762972, ClinGen allele CA355786512.

ClinVar aggregate classification (germline): Uncertain significance (1 of 4 stars; one submission).

Allele frequency attached by ClinVar (database versions not stated): gnomAD exomes below 0.00001.
gnomAD v4.1: 3 of 1,613,938 alleles (0.00019%); highest among the groups gnomAD compares: Non-Finnish European, 0.00025%; no homozygotes.

Submission:

GeneDx
Classification: Uncertain significance. Last evaluated: 2023-03-30. Review status: criteria provided, single submitter. Criteria: GeneDx Variant Classification Process June 2021. Collection method: clinical testing. Allele origin: germline. Affected: yes.
Comment: Not observed at significant frequency in large population cohorts (gnomAD); In silico analysis supports that this missense variant does not alter protein structure/function; Has not been previously published as pathogenic or benign to our knowledge